The following is an entry in ClinVar:

ClinVar aggregate classification (germline): Uncertain significance (1 of 4 stars; one submission).

Allele frequency attached by ClinVar (database versions not stated): gnomAD 0.00001; gnomAD exomes 0.00001; TOPMed 0.00001.
gnomAD v4.1: 24 of 1,613,912 alleles (0.0015%); highest among the groups gnomAD compares: East Asian, 0.0022%; no homozygotes.

Submission:

Labcorp Genetics (formerly Invitae), Labcorp
Classification: Uncertain significance. Last evaluated: 2025-11-11. Review status: criteria provided, single submitter. Criteria: Invitae Variant Classification Sherloc (09022015). Collection method: clinical testing. Allele origin: germline.
Comment: This sequence change replaces serine, which is neutral and polar, with leucine, which is neutral and non-polar, at codon 254 of the MMP14 protein (p.Ser254Leu). This variant is present in population databases (no rsID available, gnomAD 0.002%). This variant has not been reported in the literature in individuals affected with MMP14-related conditions. ClinVar contains an entry for this variant (Variation ID: 2062813). Invitae Evidence Modeling of protein sequence and biophysical properties (such as structural, functional, and spatial information, amino acid conservation, physicochemical variation, residue mobility, and thermodynamic stability) has been performed for this missense variant. However, the output from this modeling did not meet the statistical confidence thresholds required to predict the impact of this variant on MMP14 protein function. In summary, the available evidence is currently insufficient to determine the role of this variant in disease. Therefore, it has been classified as a Variant of Uncertain Significance.

NM_004995.4(MMP14):c.761C>T (p.Ser254Leu)

Gene: MMP14 (matrix metallopeptidase 14; plus strand). Cytogenetic location: 14q11.2.
Variant type: single nucleotide variant.
Coding change: c.761C>T on transcript NM_004995.4 (MANE Select); coding-DNA position 761, C replaced by T.
Protein change: p.Ser254Leu; replaces serine 254 with leucine.
Molecular consequence: missense variant.
Genome position (GRCh38, 1-based): chr14:22,843,329, C>T. VCF-style: chr14-22843329-C-T. GRCh37 (hg19) VCF-style: chr14-23312538-C-T.
Other names: short protein forms S254L.
Identifiers: ClinVar variation 2062813 (VCV002062813.4), dbSNP rs1425125078, ClinGen allele CA388930983.